The following is an entry in ClinVar:

NM_002691.4(POLD1):c.1049T>C (p.Phe350Ser)

Gene: POLD1 (DNA polymerase delta 1, catalytic subunit; plus strand). Cytogenetic location: 19q13.33.
Variant type: single nucleotide variant.
Coding change: c.1049T>C on transcript NM_002691.4 (MANE Select); coding-DNA position 1049, T replaced by C.
Protein change: p.Phe350Ser; replaces phenylalanine 350 with serine.
Molecular consequence: missense variant. On other transcripts: non-coding transcript variant (1).
Genome position (GRCh38, 1-based): chr19:50,403,131, T>C. VCF-style: chr19-50403131-T-C. GRCh37 (hg19) VCF-style: chr19-50906388-T-C.
Other names: c.1049T>C, p.Phe350Ser (NM_001308632.1, NM_001438210.1, NM_001438211.1 and 3 more transcripts); short protein forms F350S.
Identifiers: ClinVar variation 4746089 (VCV004746089.1).

ClinVar aggregate classification (germline): Uncertain significance (1 of 4 stars; one submission).

Conditions:
POLD1-related polyposis and colorectal cancer syndrome (CRCS10). Also called: COLORECTAL CANCER, SUSCEPTIBILITY TO, ON CHROMOSOME 19q; Colorectal cancer 10; Colorectal cancer, susceptibility to, 10. Identifiers: Orphanet 220460, MedGen C2675481, MONDO:0012953, OMIM 612591.

Submission:

Labcorp Genetics (formerly Invitae), Labcorp
Classification: Uncertain significance for POLD1-related polyposis and colorectal cancer syndrome. Last evaluated: 2025-08-29. Review status: criteria provided, single submitter. Criteria: Invitae Variant Classification Sherloc (09022015). Collection method: clinical testing. Allele origin: germline.
Comment: This sequence change replaces phenylalanine, which is neutral and non-polar, with serine, which is neutral and polar, at codon 350 of the POLD1 protein (p.Phe350Ser). This variant is not present in population databases (gnomAD no frequency). This variant has not been reported in the literature in individuals affected with POLD1-related conditions. Invitae Evidence Modeling of protein sequence and biophysical properties (such as structural, functional, and spatial information, amino acid conservation, physicochemical variation, residue mobility, and thermodynamic stability) indicates that this missense variant is not expected to disrupt POLD1 protein function with a negative predictive value of 80%. In summary, the available evidence is currently insufficient to determine the role of this variant in disease. Therefore, it has been classified as a Variant of Uncertain Significance.